The following is an entry in ClinVar:

ClinVar aggregate classification (germline): Uncertain significance. Review status: criteria provided, multiple submitters, no conflicts (2 of 4 stars). 2 submissions from 2 submitters: Uncertain significance (2). Last evaluated 2022-09-01.

Conditions:
Senior-Loken syndrome 4 (SLSN4). Identifiers: Orphanet 3156, MedGen C1846979, MONDO:0011756, OMIM 606996.
Nephronophthisis 4 (NPHP4). Also called: NEPHRONOPHTHISIS 4, JUVENILE. Identifiers: Orphanet 655, MedGen C1847013, MONDO:0011752, OMIM 606966.
Nephronophthisis. Also called: Juvenile Nephronophthisis. Identifiers: Orphanet 655, MedGen C0687120, MONDO:0019005, HP:0000090.

Allele frequency attached by ClinVar (database versions not stated): TOPMed 0.00001; gnomAD 0.00002; ESP Exome Variant Server 0.00008.
gnomAD v4.1: 4 of 1,613,232 alleles (0.00025%); highest among the groups gnomAD compares: African/African-American, 0.0053%; no homozygotes.

Submissions (2):

Labcorp Genetics (formerly Invitae), Labcorp
Classification: Uncertain significance for Nephronophthisis. Last evaluated: 2022-09-01. Review status: criteria provided, single submitter. Criteria: Invitae Variant Classification Sherloc (09022015). Collection method: clinical testing. Allele origin: germline.
Comment: This sequence change replaces glycine, which is neutral and non-polar, with arginine, which is basic and polar, at codon 986 of the NPHP4 protein (p.Gly986Arg). This variant is present in population databases (rs370946873, gnomAD 0.01%). This variant has not been reported in the literature in individuals affected with NPHP4-related conditions. ClinVar contains an entry for this variant (Variation ID: 1356149). Algorithms developed to predict the effect of missense changes on protein structure and function are either unavailable or do not agree on the potential impact of this missense change (SIFT: "Deleterious"; PolyPhen-2: "Probably Damaging"; Align-GVGD: "Class C0"). In summary, the available evidence is currently insufficient to determine the role of this variant in disease. Therefore, it has been classified as a Variant of Uncertain Significance.

Fulgent Genetics
Classification: Uncertain significance for Nephronophthisis 4; Senior-Loken syndrome 4. Last evaluated: 2022-04-21. Review status: criteria provided, single submitter. Criteria: ACMG Guidelines, 2015. Collection method: clinical testing. Allele origin: unknown.

NM_015102.5(NPHP4):c.2956G>A (p.Gly986Arg)

Gene: NPHP4 (nephrocystin 4; minus strand). Cytogenetic location: 1p36.31.
Variant type: single nucleotide variant.
Coding change: c.2956G>A on transcript NM_015102.5 (MANE Select); coding-DNA position 2956, G replaced by A.
Protein change: p.Gly986Arg; replaces glycine 986 with arginine.
Molecular consequence: missense variant. On other transcripts: non-coding transcript variant (1).
Genome position (GRCh38, 1-based): chr1:5,874,962, C>T on the plus strand (G>A on the coding strand, the complement: NPHP4 is on the minus strand). VCF-style: chr1-5874962-C-T. GRCh37 (hg19) VCF-style: chr1-5935022-C-T.
Other names: c.1417G>A, p.Gly473Arg (NM_001291593.2); c.1420G>A, p.Gly474Arg (NM_001291594.2); short protein forms G474R, G473R, G986R.
Identifiers: ClinVar variation 1356149 (VCV001356149.6), dbSNP rs370946873, ClinGen allele CA17136405.